The following is an entry in ClinVar:

NM_000093.5(COL5A1):c.987G>A (p.Lys329=)

Gene: COL5A1 (collagen type V alpha 1 chain; plus strand). Cytogenetic location: 9q34.3.
Variant type: single nucleotide variant.
Coding change: c.987G>A on transcript NM_000093.5 (MANE Select); coding-DNA position 987, G replaced by A.
Protein change: p.Lys329=; no amino-acid change (lysine 329 retained).
Molecular consequence: synonymous variant.
Genome position (GRCh38, 1-based): chr9:134,730,298, G>A. VCF-style: chr9-134730298-G-A. GRCh37 (hg19) VCF-style: chr9-137622144-G-A.
Other names: c.987G>A, p.Lys329= (NM_001278074.1).
Identifiers: ClinVar variation 672187 (VCV000672187.33), dbSNP rs769516996, ClinGen allele CA5318612.

ClinVar aggregate classification (germline): Conflicting classifications of pathogenicity. Review status: criteria provided, conflicting classifications (1 of 4 stars). 4 submissions from 4 submitters: Uncertain significance (1); Likely benign (3). Last evaluated 2024-12-01.

Conditions:
Ehlers-Danlos syndrome, classic type, 1 (EDSCL1). Also called: Ehlers-Danlos syndrome, type 1; Ehlers-Danlos Syndrome, Classic Type, COL5A1-Related; EDS I; EHLERS-DANLOS SYNDROME, GRAVIS TYPE; EHLERS-DANLOS SYNDROME, SEVERE CLASSIC TYPE. Identifiers: MedGen C0268335, MONDO:0019567, OMIM 130000.
Ehlers-Danlos syndrome (EDS). Identifiers: Orphanet 98249, MedGen C0013720, MONDO:0020066.

Allele frequency attached by ClinVar (database versions not stated): TOPMed below 0.00001; gnomAD exomes 0.00001; ExAC 0.00002.
gnomAD v4.1: 18 of 1,614,236 alleles (0.0011%); highest among the groups gnomAD compares: Non-Finnish European, 0.0015%; no homozygotes.

Submissions (4):

CeGaT Center for Human Genetics Tuebingen
Classification: Likely benign. Last evaluated: 2024-12-01. Review status: criteria provided, single submitter. Criteria: CeGaT Center For Human Genetics Tuebingen Variant Classification Criteria Version 2. Collection method: clinical testing. Allele origin: germline. Affected: yes. Observed: 3 variant alleles.
Comment: COL5A1: BP4, BP7

Labcorp Genetics (formerly Invitae), Labcorp
Classification: Likely benign for Ehlers-Danlos syndrome, classic type, 1. Last evaluated: 2023-05-07. Review status: criteria provided, single submitter. Criteria: Invitae Variant Classification Sherloc (09022015). Collection method: clinical testing. Allele origin: germline.

Genome Diagnostics Laboratory, The Hospital for Sick Children
Classification: Uncertain significance for Ehlers-Danlos syndrome. Last evaluated: 2019-06-01. Review status: criteria provided, single submitter. Criteria: ACMG Guidelines, 2015. Collection method: clinical testing. Allele origin: germline.

GeneDx
Classification: Likely benign. Last evaluated: 2018-06-20. Review status: criteria provided, single submitter. Criteria: GeneDx Variant Classification (06012015). Collection method: clinical testing. Allele origin: germline. Affected: yes.
Comment: This variant is considered likely benign or benign based on one or more of the following criteria: it is a conservative change, it occurs at a poorly conserved position in the protein, it is predicted to be benign by multiple in silico algorithms, and/or has population frequency not consistent with disease.